The following is an entry in ClinVar:

NM_006914.4(RORB):c.1313T>C (p.Val438Ala)

Genes: RORB (RAR related orphan receptor B; plus strand), LOC124310566 (Sharpr-MPRA regulatory region 9792; plus strand). Cytogenetic location: 9q21.13.
Variant type: single nucleotide variant.
Coding change: c.1313T>C on transcript NM_006914.4 (MANE Select); coding-DNA position 1313, T replaced by C.
Protein change: p.Val438Ala; replaces valine 438 with alanine.
Molecular consequence: missense variant.
Genome position (GRCh38, 1-based): chr9:74,685,551, T>C. VCF-style: chr9-74685551-T-C. GRCh37 (hg19) VCF-style: chr9-77300467-T-C.
Other names: c.1346T>C, p.Val449Ala (NM_001365023.1); short protein forms V438A, V449A.
Identifiers: ClinVar variation 3368281 (VCV003368281.1).

ClinVar aggregate classification (germline): Uncertain significance (1 of 4 stars; one submission).

Submission:

GeneDx
Classification: Uncertain significance. Last evaluated: 2024-01-24. Review status: criteria provided, single submitter. Criteria: GeneDx Variant Classification Process June 2021. Collection method: clinical testing. Allele origin: germline. Affected: yes.
Comment: Not observed at significant frequency in large population cohorts (gnomAD); In silico analysis supports that this missense variant does not alter protein structure/function; Has not been previously published as pathogenic or benign to our knowledge